The following is an entry in ClinVar:

ClinVar aggregate classification (germline): Uncertain significance (1 of 4 stars; one submission).

Conditions:
Dilated cardiomyopathy 1G (CMD1G). Identifiers: Orphanet 154, MedGen C1858763, MONDO:0011400, OMIM 604145.
Autosomal recessive limb-girdle muscular dystrophy type 2J (LGMDR10). Also called: Limb-girdle muscular dystrophy, type 2J; MUSCULAR DYSTROPHY, LIMB-GIRDLE, AUTOSOMAL RECESSIVE 10. Identifiers: Orphanet 140922, MedGen C1837342, MONDO:0012127, OMIM 608807.

Submission:

Labcorp Genetics (formerly Invitae), Labcorp
Classification: Uncertain significance for Dilated cardiomyopathy 1G; Autosomal recessive limb-girdle muscular dystrophy type 2J. Last evaluated: 2025-05-18. Review status: criteria provided, single submitter. Criteria: Invitae Variant Classification Sherloc (09022015). Collection method: clinical testing. Allele origin: germline.
Comment: This sequence change replaces methionine, which is neutral and non-polar, with isoleucine, which is neutral and non-polar, at codon 35866 of the TTN protein (p.Met35866Ile). This variant is not present in population databases (gnomAD no frequency). This variant has not been reported in the literature in individuals affected with TTN-related conditions. Experimental studies and prediction algorithms are not available or were not evaluated, and the functional significance of this variant is currently unknown. This variant is located in the M band of TTN (PMID: 25589632). Non-truncating variants in this region may be relevant for neuromuscular disorders, but have not been definitively shown to cause cardiomyopathy (PMID: 23975875). In summary, the available evidence is currently insufficient to determine the role of this variant in disease. Therefore, it has been classified as a Variant of Uncertain Significance.

Literature cited by the submitters: PubMed 25589632; PubMed 23975875.

NM_001267550.2(TTN):c.107598G>C (p.Met35866Ile)

Genes: TTN-AS1 (TTN antisense RNA 1; plus strand), TTN (titin; minus strand). Cytogenetic location: 2q31.2.
Variant type: single nucleotide variant.
Coding change: c.107598G>C on transcript NM_001267550.2 (MANE Select); coding-DNA position 107598, G replaced by C.
Protein change: p.Met35866Ile; replaces methionine 35866 with isoleucine.
Molecular consequence: missense variant.
Genome position (GRCh38, 1-based): chr2:178,527,528, C>G on the plus strand (G>C on the coding strand, the complement: TTN is on the minus strand). VCF-style: chr2-178527528-C-G. GRCh37 (hg19) VCF-style: chr2-179392255-C-G.
Other names: c.102675G>C, p.Met34225Ile (NM_001256850.1); c.80403G>C, p.Met26801Ile (NM_003319.4); c.99894G>C, p.Met33298Ile (NM_133378.4); c.80778G>C, p.Met26926Ile (NM_133432.3); c.80979G>C, p.Met26993Ile (NM_133437.4); short protein forms M26801I, M26926I, M26993I, M33298I, M34225I, M35866I.
Identifiers: ClinVar variation 4784076 (VCV004784076.1).